The following is an entry in ClinVar:

NM_000286.3(PEX12):c.543C>A (p.Tyr181Ter)

Gene: PEX12 (peroxisomal biogenesis factor 12; minus strand). Cytogenetic location: 17q12.
Variant type: single nucleotide variant.
Coding change: c.543C>A on transcript NM_000286.3 (MANE Select); coding-DNA position 543, C replaced by A.
Protein change: p.Tyr181Ter; replaces tyrosine 181 with a stop codon.
Molecular consequence: nonsense.
Genome position (GRCh38, 1-based): chr17:35,577,175, G>T on the plus strand (C>A on the coding strand, the complement: PEX12 is on the minus strand). VCF-style: chr17-35577175-G-T. GRCh37 (hg19) VCF-style: chr17-33904194-G-T.
Other names: short protein forms Y181*.
Identifiers: ClinVar variation 2111888 (VCV002111888.5), dbSNP rs192653658, ClinGen allele CA8504892.

ClinVar aggregate classification (germline): Pathogenic/Likely pathogenic. Review status: criteria provided, multiple submitters, no conflicts (2 of 4 stars). 2 submissions from 2 submitters: Pathogenic (1); Likely pathogenic (1). Last evaluated 2022-04-20.

Conditions:
Peroxisome biogenesis disorder 3A (Zellweger). Also called: PEROXISOMAL BIOGENESIS DISORDER 3A (ZELLWEGER); Peroxisome biogenesis disorder 3A. Identifiers: Orphanet 912, MedGen C3553929, MONDO:0013927, OMIM 614859.

Submissions (2):

Labcorp Genetics (formerly Invitae), Labcorp
Classification: Pathogenic for Peroxisome biogenesis disorder 3A (Zellweger). Last evaluated: 2022-04-20. Review status: criteria provided, single submitter. Criteria: Invitae Variant Classification Sherloc (09022015). Collection method: clinical testing. Allele origin: germline.
Comment: For these reasons, this variant has been classified as Pathogenic. This variant has not been reported in the literature in individuals affected with PEX12-related conditions. This variant is present in population databases (rs192653658, gnomAD 0.0009%). This sequence change creates a premature translational stop signal (p.Tyr181*) in the PEX12 gene. It is expected to result in an absent or disrupted protein product. Loss-of-function variants in PEX12 are known to be pathogenic (PMID: 9090384, 9632816, 21031596).

Baylor Genetics
Classification: Likely pathogenic for Peroxisome biogenesis disorder 3A (Zellweger). Last evaluated: 2021-12-23. Review status: criteria provided, single submitter. Criteria: ACMG Guidelines, 2015. Collection method: clinical testing. Allele origin: unknown.

Literature cited by the submitters: PubMed 9090384 (cited by Labcorp Genetics (formerly Invitae), Labcorp); PubMed 9632816 (cited by Labcorp Genetics (formerly Invitae), Labcorp); PubMed 21031596 (cited by Labcorp Genetics (formerly Invitae), Labcorp).